The following is an entry in ClinVar:

NM_001754.5(RUNX1):c.1005G>C (p.Gln335His)

Gene: RUNX1 (RUNX family transcription factor 1; minus strand). Cytogenetic location: 21q22.12.
Variant type: single nucleotide variant.
Coding change: c.1005G>C on transcript NM_001754.5 (MANE Select); coding-DNA position 1005, G replaced by C.
Protein change: p.Gln335His; replaces glutamine 335 with histidine.
Molecular consequence: missense variant.
Genome position (GRCh38, 1-based): chr21:34,792,573, C>G on the plus strand (G>C on the coding strand, the complement: RUNX1 is on the minus strand). VCF-style: chr21-34792573-C-G. GRCh37 (hg19) VCF-style: chr21-36164870-C-G.
Other names: NM_001754.5(RUNX1):c.1005G>C; p.Gln335His; c.924G>C, p.Gln308His (NM_001001890.3); short protein forms Q308H, Q335H.
Identifiers: ClinVar variation 3624665 (VCV003624665.3).

ClinVar aggregate classification (germline): Uncertain significance. Review status: reviewed by expert panel (3 of 4 stars). 2 submissions from 2 submitters: Uncertain significance (1). 1 of the submissions does not count toward it. Last evaluated 2025-03-26.

Conditions:
Hereditary thrombocytopenia and hematologic cancer predisposition syndrome. Identifiers: Orphanet 71290, MedGen CN281654, MONDO:0011071.
Hereditary thrombocytopenia and hematological cancer predisposition syndrome associated with RUNX1. Also called: Familial Platelet Disorder with Propensity to Acute Myelogenous Leukemia; Familial thrombocytopenia with propensity to acute myelogenous leukemia; PLATELET DISORDER, ASPIRIN-LIKE; RUNX1 Familial Platelet Disorder with Associated Myeloid Malignancies. Identifiers: Orphanet 71290, MedGen C1832388, MeSH C563324, MONDO:0100083, OMIM 601399.

Submissions (2):

ClinGen Myeloid Malignancy Variant Curation Expert Panel
Classification: Uncertain significance for Hereditary thrombocytopenia and hematologic cancer predisposition syndrome. Last evaluated: 2025-03-26. Review status: reviewed by expert panel. Criteria: ClinGen MyeloMalig ACMG Specifications v2. Collection method: curation. Allele origin: germline. Inheritance: Autosomal dominant inheritance.
Comment: NM_001754.5(RUNX1):c.1005G>C (p.Gln335His) is a missense variant which has a REVEL score < 0.50 (0.40) and a SpliceAI score ≤ 0.20 (0.0) (BP4). This variant is completely absent from all population databases with at least 20x coverage for RUNX1 (PM2_supporting). In summary, the clinical significance of this variant is uncertain. ACMG/AMP criteria applied, as specified by the Myeloid Malignancy Variant Curation Expert Panel for RUNX1: BP4, PM2_supporting.

Labcorp Genetics (formerly Invitae), Labcorp
Classification: Uncertain significance for Hereditary thrombocytopenia and hematological cancer predisposition syndrome associated with RUNX1. Last evaluated: 2024-05-27. Review status: criteria provided, single submitter. Criteria: Invitae Variant Classification Sherloc (09022015). Collection method: clinical testing. Allele origin: germline. Not counted in ClinVar's aggregate classification.
Comment: This sequence change replaces glutamine, which is neutral and polar, with histidine, which is basic and polar, at codon 335 of the RUNX1 protein (p.Gln335His). This variant is not present in population databases (gnomAD no frequency). This missense change has been observed in individual(s) with T-cell acute lymphoblastic leukemia (PMID: 24792891). This variant is also known as p.Gln308His. Advanced modeling of protein sequence and biophysical properties (such as structural, functional, and spatial information, amino acid conservation, physicochemical variation, residue mobility, and thermodynamic stability) performed at Invitae indicates that this missense variant is not expected to disrupt RUNX1 protein function with a negative predictive value of 80%. In summary, the available evidence is currently insufficient to determine the role of this variant in disease. Therefore, it has been classified as a Variant of Uncertain Significance.

Literature cited by the submitters: PubMed 24792891 (cited by Labcorp Genetics (formerly Invitae), Labcorp).